The following is an entry in ClinVar:

NM_000037.4(ANK1):c.2804G>A (p.Arg935Gln)

Gene: ANK1 (ankyrin 1; minus strand). Cytogenetic location: 8p11.21.
Variant type: single nucleotide variant.
Coding change: c.2804G>A on transcript NM_000037.4 (MANE Select); coding-DNA position 2804, G replaced by A.
Protein change: p.Arg935Gln; replaces arginine 935 with glutamine.
Molecular consequence: missense variant.
Genome position (GRCh38, 1-based): chr8:41,696,519, C>T on the plus strand (G>A on the coding strand, the complement: ANK1 is on the minus strand). VCF-style: chr8-41696519-C-T. GRCh37 (hg19) VCF-style: chr8-41554037-C-T.
Other names: c.2927G>A, p.Arg976Gln (NM_001142446.2); c.2804G>A, p.Arg935Gln (NM_020475.3, NM_020476.3, NM_020477.3); short protein forms R935Q, R976Q.
Identifiers: ClinVar variation 3609278 (VCV003609278.2).
Genomic context (GRCh38, chr8:41,696,519, plus strand): 5'-TTGACCAGGCGGCAGGTGATGCGGGTGGGCGCTGCGCACGTCCGTGGCGGGATCACCACT[C>T]GCAGGCCGTTGTGGCGACTTCCTCTCATGGAACCACCCCGGGCGTCAACCATGAAGCTCA-3'
Protein context (NP_000028.3, residues 925-945): SMRGSRHNGL[Arg935Gln]VVIPPRTCAA

ClinVar aggregate classification (germline): Uncertain significance (1 of 4 stars; one submission).

gnomAD v4.1: 14 of 1,613,522 alleles (0.00087%); highest among the groups gnomAD compares: African/African-American, 0.0027%; no homozygotes.

Submission:

Labcorp Genetics (formerly Invitae), Labcorp
Classification: Uncertain significance. Last evaluated: 2024-03-02. Review status: criteria provided, single submitter. Criteria: Invitae Variant Classification Sherloc (09022015). Collection method: clinical testing. Allele origin: germline.
Comment: This sequence change replaces arginine, which is basic and polar, with glutamine, which is neutral and polar, at codon 935 of the ANK1 protein (p.Arg935Gln). This variant is present in population databases (rs780859723, gnomAD 0.002%). This variant has not been reported in the literature in individuals affected with ANK1-related conditions. Advanced modeling of protein sequence and biophysical properties (such as structural, functional, and spatial information, amino acid conservation, physicochemical variation, residue mobility, and thermodynamic stability) performed at Invitae indicates that this missense variant is not expected to disrupt ANK1 protein function with a negative predictive value of 80%. In summary, the available evidence is currently insufficient to determine the role of this variant in disease. Therefore, it has been classified as a Variant of Uncertain Significance.